The following is an entry in ClinVar:

ClinVar aggregate classification (germline): Likely benign. Review status: criteria provided, multiple submitters, no conflicts (2 of 4 stars). 3 submissions from 3 submitters: Likely benign (3). Last evaluated 2026-07-01.

Conditions:
FMN2-related disorder. Also called: FMN2-related condition.

Submissions (3):

CeGaT Center for Human Genetics Tuebingen
Classification: Likely benign. Last evaluated: 2026-07-01. Review status: criteria provided, single submitter. Criteria: CeGaT Center For Human Genetics Tuebingen Variant Classification Criteria Version 2. Collection method: clinical testing. Allele origin: germline. Affected: yes. Observed: 5 variant alleles.
Comment: FMN2: BP4, BP7

Blueprint Genetics
Classification: Likely benign. Last evaluated: 2024-11-21. Review status: criteria provided, single submitter. Criteria: ACMG Guidelines, 2015. Collection method: clinical testing. Allele origin: germline.

PreventionGenetics, part of Exact Sciences
Classification: Likely benign for FMN2-related condition. Last evaluated: 2020-03-19. Review status: criteria provided, single submitter. Criteria: ACMG Guidelines, 2015. Collection method: clinical testing. Allele origin: germline.
Comment: This variant is classified as likely benign based on ACMG/AMP sequence variant interpretation guidelines (Richards et al. 2015 PMID: 25741868, with internal and published modifications).

NM_020066.5(FMN2):c.2967T>A (p.Pro989=)

Gene: FMN2 (formin 2; plus strand). Cytogenetic location: 1q43.
Variant type: single nucleotide variant.
Coding change: c.2967T>A on transcript NM_020066.5 (MANE Select); coding-DNA position 2967, T replaced by A.
Protein change: p.Pro989=; no amino-acid change (proline 989 retained).
Molecular consequence: synonymous variant. On other transcripts: intron variant (1).
Genome position (GRCh38, 1-based): chr1:240,207,779, T>A. VCF-style: chr1-240207779-T-A. GRCh37 (hg19) VCF-style: chr1-240371079-T-A.
Other names: c.2967T>A (NM_020066.4); c.2979T>A, p.Pro993= (NM_001305424.2); c.1986+19517T>A (NM_001348094.2).
Identifiers: ClinVar variation 2640149 (VCV002640149.26), dbSNP rs557827551, ClinGen allele CA1476937.
Genomic context (GRCh38, chr1:240,207,779, plus strand): 5'-TCTTCCCGGAGCAGGAATACCTCCTCCACCCCCTCTACCCGGAGCGGGCATACCCCCTCC[T>A]CCCCCACTTCCCGGAGCGGGCATACCCCCTCCGCCCCCACTTCCCGGAGCGGGCATACCC-3'
Protein context (NP_064450.3, residues 979-999): PPLPGAGIPP[Pro989=]PPLPGAGIPP